The following is an entry in ClinVar:

ClinVar aggregate classification (germline): Uncertain significance. Review status: criteria provided, multiple submitters, no conflicts (2 of 4 stars). 3 submissions from 3 submitters: Uncertain significance (3). Last evaluated 2020-10-04.

Conditions:
Cardiomyopathy (CMYO). Also called: Cardiomyopathies. Identifiers: Orphanet 167848, MedGen C0878544, MONDO:0004994, HP:0001638. Inheritance: Various modes of inheritance.
Dilated cardiomyopathy 1S (CMD1S). Identifiers: Orphanet 154, Orphanet 54260, MedGen C1834481, MONDO:0013262, OMIM 613426.
Hypertrophic cardiomyopathy. Also called: HYPERTROPHIC MYOCARDIOPATHY. Identifiers: Orphanet 217569, MedGen C0007194, MeSH D002312, MONDO:0005045, HP:0001639.

Submissions (3):

Labcorp Genetics (formerly Invitae), Labcorp
Classification: Uncertain significance for Hypertrophic cardiomyopathy. Last evaluated: 2020-10-04. Review status: criteria provided, single submitter. Criteria: Invitae Variant Classification Sherloc (09022015). Collection method: clinical testing. Allele origin: germline.
Comment: This variant has not been reported in the literature in individuals with MYH7-related conditions. ClinVar contains an entry for this variant (Variation ID: 560219). This variant is not present in population databases (ExAC no frequency). This sequence change replaces glutamic acid with lysine at codon 1349 of the MYH7 protein (p.Glu1349Lys). The glutamic acid residue is highly conserved and there is a small physicochemical difference between glutamic acid and lysine. Algorithms developed to predict the effect of missense changes on protein structure and function are either unavailable or do not agree on the potential impact of this missense change (SIFT: "Deleterious"; PolyPhen-2: "Probably Damaging"; Align-GVGD: "Class C0"). In summary, the available evidence is currently insufficient to determine the role of this variant in disease. Therefore, it has been classified as a Variant of Uncertain Significance.

Petrovsky National Research Centre of Surgery, The Federal Agency for Scientific Organizations
Classification: Uncertain significance for Dilated cardiomyopathy 1S. Last evaluated: 2018-08-28. Review status: criteria provided, single submitter. Criteria: ACMG Guidelines, 2015. Collection method: research. Allele origin: de novo. Affected: yes. Observed: 1 heterozygote.
Comment: We did not confirm paternity and maternity for this family, so variant p.E1439K does not meet ACMG criteria to be classified as likely pathogenic. Thus, our classification was based on absence from controls, multiple lines of computational evidence (PolyPhen2, SIFT, MutationTaster) and assumed de novo origin.

CHEO Genetics Diagnostic Laboratory, Children's Hospital of Eastern Ontario
Classification: Uncertain significance for Cardiomyopathy. Last evaluated: 2017-06-09. Review status: criteria provided, single submitter. Criteria: ACMG Guidelines, 2015. Collection method: clinical testing. Allele origin: germline. Study: Canadian Open Genetics Repository.

NM_000257.4(MYH7):c.4045G>A (p.Glu1349Lys)

Gene: MYH7 (myosin heavy chain 7; minus strand). Cytogenetic location: 14q11.2.
Variant type: single nucleotide variant.
Coding change: c.4045G>A on transcript NM_000257.4 (MANE Select); coding-DNA position 4045, G replaced by A.
Protein change: p.Glu1349Lys; replaces glutamic acid 1349 with lysine.
Molecular consequence: missense variant.
Genome position (GRCh38, 1-based): chr14:23,418,334, C>T on the plus strand (G>A on the coding strand, the complement: MYH7 is on the minus strand). VCF-style: chr14-23418334-C-T. GRCh37 (hg19) VCF-style: chr14-23887543-C-T.
Other names: c.4045G>A (LRG_384t1); short protein forms E1349K.
Identifiers: ClinVar variation 560219 (VCV000560219.13), dbSNP rs1566526272, ClinGen allele CA389041121.